The following is an entry in ClinVar:

ClinVar aggregate classification (germline): Conflicting classifications of pathogenicity. Review status: criteria provided, conflicting classifications (1 of 4 stars). 3 submissions from 3 submitters: Uncertain significance (1); Likely benign (1). 1 of the submissions does not count toward it. Last evaluated 2026-07-01.

Conditions:
Glycogen storage disease, type II (IOPD). Also called: POMPE DISEASE, INFANTILE-ONSET; GLYCOGEN STORAGE DISEASE II, INFANTILE-ONSET; ACID ALPHA-GLUCOSIDASE DEFICIENCY, INFANTILE-ONSET; GAA DEFICIENCY, INFANTILE-ONSET; ACID MALTASE DEFICIENCY, INFANTILE-ONSET; CARDIOMEGALIA GLYCOGENICA DIFFUSA. Identifiers: Orphanet 365, MedGen C0017921, MONDO:0009290, OMIM 232300.

Submissions (3):

Genomenon, Inc
Classification: Uncertain significance for Glycogen storage disease, type II. Last evaluated: 2026-07-01. Review status: criteria provided, single submitter. Criteria: Genomenon Sequence Variant Interpretation Standards - Updated. Collection method: curation. Allele origin: germline. Affected: no.
Comment: GAA c.2647-23del is a deletion variant located in intron 18. This variant has been reported in the published literature (PMID:24513544;33560568;33073027). In conclusion, we classify GAA c.2647-23del as a variant of uncertain significance.

Labcorp Genetics (formerly Invitae), Labcorp
Classification: Likely benign for Glycogen storage disease, type II. Last evaluated: 2022-12-05. Review status: criteria provided, single submitter. Criteria: Invitae Variant Classification Sherloc (09022015). Collection method: clinical testing. Allele origin: germline.

Counsyl
Classification: Uncertain significance for Glycogen storage disease, type II. Last evaluated: 2018-03-23. Review status: no assertion criteria provided. Collection method: clinical testing. Allele origin: unknown. Not counted in ClinVar's aggregate classification.

Literature cited by the submitters: PubMed 24513544 (cited by Genomenon, Inc and Counsyl); PubMed 33560568 (cited by Genomenon, Inc); PubMed 33073027 (cited by Genomenon, Inc).

NM_000152.5(GAA):c.2647-23del

Gene: GAA (alpha glucosidase; plus strand). Cytogenetic location: 17q25.3.
Variant type: Deletion.
Coding change: c.2647-23del on transcript NM_000152.5 (MANE Select); 23 bases into the intron before coding-DNA position 2647, one base deleted (T; older notation c.2647-23delT).
Molecular consequence: intron variant.
Genome position (GRCh38, 1-based): chr17:80,118,630, T deleted; the last of 4 consecutive T bases (chr17:80,118,627-80,118,630); deleting any one gives the same sequence. VCF-style (leftmost placement, unchanged base first): chr17-80118626-CT-C. GRCh37 (hg19) VCF-style: chr17-78092425-CT-C.
Other names: c.2647-23del (LRG_673t1, NM_001079803.3, NM_001079804.3); c.2647-23delT (NM_000152.3).
Identifiers: ClinVar variation 557403 (VCV000557403.15), dbSNP rs749000061, ClinGen allele CA8815817.